The following is an entry in ClinVar:

NM_004370.6(COL12A1):c.7520-6T>C

Gene: COL12A1 (collagen type XII alpha 1 chain; minus strand). Cytogenetic location: 6q13.
Variant type: single nucleotide variant.
Coding change: c.7520-6T>C on transcript NM_004370.6 (MANE Select); 6 bases into the intron before coding-DNA position 7520, T replaced by C.
Molecular consequence: intron variant.
Genome position (GRCh38, 1-based): chr6:75,116,063, A>G on the plus strand (T>C on the coding strand, the complement: COL12A1 is on the minus strand). VCF-style: chr6-75116063-A-G. GRCh37 (hg19) VCF-style: chr6-75825779-A-G.
Other names: c.4028-6T>C (NM_080645.3).
Identifiers: ClinVar variation 1318549 (VCV001318549.4), dbSNP rs2149361702, ClinGen allele CA450924531.

ClinVar aggregate classification (germline): Uncertain significance. Review status: criteria provided, multiple submitters, no conflicts (2 of 4 stars). 2 submissions from 2 submitters: Uncertain significance (2). Last evaluated 2024-03-25.

Conditions:
Ullrich congenital muscular dystrophy 2 (UCMD2). Identifiers: Orphanet 75840, MedGen C4225314, MONDO:0014654, OMIM 616470.
Bethlem myopathy 2 (BTHLM2). Identifiers: Orphanet 536516, Orphanet 610, MedGen C4225313, MONDO:0034022, OMIM 616471.

Submissions (2):

Labcorp Genetics (formerly Invitae), Labcorp
Classification: Uncertain significance for Bethlem myopathy 2; Ullrich congenital muscular dystrophy 2. Last evaluated: 2024-03-25. Review status: criteria provided, single submitter. Criteria: Invitae Variant Classification Sherloc (09022015). Collection method: clinical testing. Allele origin: germline.
Comment: This sequence change falls in intron 47 of the COL12A1 gene. It does not directly change the encoded amino acid sequence of the COL12A1 protein. This variant is not present in population databases (gnomAD no frequency). This variant has not been reported in the literature in individuals affected with COL12A1-related conditions. ClinVar contains an entry for this variant (Variation ID: 1318549). Algorithms developed to predict the effect of sequence changes on RNA splicing suggest that this variant may disrupt the consensus splice site. In summary, the available evidence is currently insufficient to determine the role of this variant in disease. Therefore, it has been classified as a Variant of Uncertain Significance.

GeneDx
Classification: Uncertain significance. Last evaluated: 2020-06-16. Review status: criteria provided, single submitter. Criteria: GeneDx Variant Classification Process June 2021. Collection method: clinical testing. Allele origin: germline. Affected: yes.
Comment: Has not been previously published as pathogenic or benign to our knowledge; Not observed in large population cohorts (Lek et al., 2016); In-silico analysis, which includes splice predictors and evolutionary conservation, is inconclusive as to whether the variant alters gene splicing. In the absence of RNA/functional studies, the actual effect of this sequence change is unknown.